The following is an entry in ClinVar:

ClinVar aggregate classification (germline): Pathogenic. Review status: criteria provided, multiple submitters, no conflicts (2 of 4 stars). 2 submissions from 2 submitters: Pathogenic (2). Last evaluated 2024-12-02.

Conditions:
Hereditary cancer-predisposing syndrome. Also called: Neoplastic Syndromes, Hereditary; Hereditary Cancer Syndrome; Tumor predisposition; Hereditary neoplastic syndrome. Identifiers: Orphanet 140162, MedGen C0027672, MeSH D009386, MONDO:0015356.
Tumor predisposition syndrome 3 (TPDS3). Also called: Melanoma, cutaneous malignant, susceptibility to, 10; Glioma susceptibility 9; LONG TELOMERE SYNDROME, POT1-RELATED; POT1 Tumor Predisposition. Identifiers: Orphanet 618, MedGen C4014476, MONDO:0014368, OMIM 615848.

Submissions (2):

Ambry Genetics
Classification: Pathogenic for Hereditary cancer-predisposing syndrome. Last evaluated: 2024-12-02. Review status: criteria provided, single submitter. Criteria: Ambry Variant Classification Scheme 2023. Collection method: clinical testing. Allele origin: germline.
Comment: The c.1516dupT pathogenic mutation, located in coding exon 12 of the POT1 gene, results from a duplication of T at nucleotide position 1516, causing a translational frameshift with a predicted alternate stop codon (p.C506Lfs*3). This variant is considered to be rare based on population cohorts in the Genome Aggregation Database (gnomAD). This alteration is expected to result in loss of function by premature protein truncation or nonsense-mediated mRNA decay. As such, this alteration is interpreted as a disease-causing mutation.

Labcorp Genetics (formerly Invitae), Labcorp
Classification: Pathogenic for Tumor predisposition syndrome 3. Last evaluated: 2021-08-17. Review status: criteria provided, single submitter. Criteria: Invitae Variant Classification Sherloc (09022015). Collection method: clinical testing. Allele origin: germline.
Comment: This sequence change creates a premature translational stop signal (p.Cys506Leufs*3) in the POT1 gene. It is expected to result in an absent or disrupted protein product. Loss-of-function variants in POT1 are known to be pathogenic (PMID: 32155570). This variant is not present in population databases (ExAC no frequency). This variant has not been reported in the literature in individuals affected with POT1-related conditions. ClinVar contains an entry for this variant (Variation ID: 643634). For these reasons, this variant has been classified as Pathogenic.

Literature cited by the submitters: PubMed 32155570 (cited by Labcorp Genetics (formerly Invitae), Labcorp).

NM_015450.3(POT1):c.1516dup (p.Cys506fs)

Gene: POT1 (protection of telomeres 1; minus strand). Cytogenetic location: 7q31.33.
Variant type: Duplication.
Coding change: c.1516dup on transcript NM_015450.3 (MANE Select); coding-DNA position 1516, one base duplicated (T; older notation c.1516dupT).
Protein change: p.Cys506fs; shifts the reading frame from cysteine 506.
Molecular consequence: frameshift variant. On other transcripts: non-coding transcript variant (2).
Genome position (GRCh38, 1-based): chr7:124,829,332, A duplicated on the plus strand (T on the coding strand, the reverse complement: POT1 is on the minus strand). VCF-style (leftmost placement, unchanged base first): chr7-124829331-C-CA. GRCh37 (hg19) VCF-style: chr7-124469385-C-CA.
Other names: c.1123dup, p.Cys375fs (NM_001042594.2); c.1516dupT (NM_015450.2); short protein forms C506fs, C375fs.
Identifiers: ClinVar variation 643634 (VCV000643634.8), dbSNP rs1584749232, ClinGen allele CA915945495.